The following is an entry in ClinVar:

ClinVar aggregate classification (germline): Pathogenic (1 of 4 stars; one submission).

Conditions:
Retinoblastoma (RB1). Also called: RETINOBLASTOMA, SOMATIC. Identifiers: Orphanet 790, MedGen C0035335, MeSH D012175, MONDO:0008380, OMIM 180200, HP:0009919. Disease mechanism: loss of function. Inheritance: Both sporadic and heritable forms are tested..

Submission:

Labcorp Genetics (formerly Invitae), Labcorp
Classification: Pathogenic for Retinoblastoma. Last evaluated: 2022-12-26. Review status: criteria provided, single submitter. Criteria: Invitae Variant Classification Sherloc (09022015). Collection method: clinical testing. Allele origin: germline.
Comment: For these reasons, this variant has been classified as Pathogenic. Algorithms developed to predict the effect of sequence changes on RNA splicing suggest that this variant may disrupt the consensus splice site. Disruption of this splice site has been observed in individual(s) with bilateral retinoblastoma (PMID: 16463005, 28193182). In at least one individual the variant was observed to be de novo. It has also been observed to segregate with disease in related individuals. This variant is not present in population databases (gnomAD no frequency). This sequence change affects a donor splice site in intron 12 of the RB1 gene. It is expected to disrupt RNA splicing. Variants that disrupt the donor or acceptor splice site typically lead to a loss of protein function (PMID: 16199547), and loss-of-function variants in RB1 are known to be pathogenic (PMID: 17096365).

Literature cited by the submitters: PubMed 16463005; PubMed 28193182; PubMed 16199547; PubMed 17096365.

NM_000321.3(RB1):c.1215+2T>A

Gene: RB1 (RB transcriptional corepressor 1; plus strand). Cytogenetic location: 13q14.2.
Variant type: single nucleotide variant.
Coding change: c.1215+2T>A on transcript NM_000321.3 (MANE Select); the canonical splice donor site of the intron after coding-DNA position 1215, T replaced by A.
Molecular consequence: splice donor variant.
Genome position (GRCh38, 1-based): chr13:48,373,494, T>A. VCF-style: chr13-48373494-T-A. GRCh37 (hg19) VCF-style: chr13-48947630-T-A.
Other names: c.1215+2T>A (NM_001407165.1, NM_001407166.1).
Identifiers: ClinVar variation 2824267 (VCV002824267.3), dbSNP rs1060503074, ClinGen allele CA388161721.